The following is an entry in ClinVar:

NM_001128840.3(CACNA1D):c.5425A>G (p.Thr1809Ala)

Gene: CACNA1D (calcium voltage-gated channel subunit alpha1 D; plus strand). Cytogenetic location: 3p21.1.
Variant type: single nucleotide variant.
Coding change: c.5425A>G on transcript NM_001128840.3 (MANE Select); coding-DNA position 5425, A replaced by G.
Protein change: p.Thr1809Ala; replaces threonine 1809 with alanine.
Molecular consequence: missense variant. On other transcripts: intron variant (1).
Genome position (GRCh38, 1-based): chr3:53,802,163, A>G. VCF-style: chr3-53802163-A-G. GRCh37 (hg19) VCF-style: chr3-53836190-A-G.
Other names: c.5485A>G, p.Thr1829Ala (NM_000720.4); c.5363+738A>G (NM_001128839.3); short protein forms T1809A, T1829A.
Identifiers: ClinVar variation 2974936 (VCV002974936.3), dbSNP rs1158310548, ClinGen allele CA353252284.

ClinVar aggregate classification (germline): Uncertain significance (1 of 4 stars; one submission).

Allele frequency attached by ClinVar (database versions not stated): gnomAD exomes 0.00001.
gnomAD v4.1: 16 of 1,608,178 alleles (0.00099%); highest among the groups gnomAD compares: Non-Finnish European, 0.0014%; no homozygotes.

Submission:

Labcorp Genetics (formerly Invitae), Labcorp
Classification: Uncertain significance. Last evaluated: 2025-07-14. Review status: criteria provided, single submitter. Criteria: Invitae Variant Classification Sherloc (09022015). Collection method: clinical testing. Allele origin: germline.
Comment: This sequence change replaces threonine, which is neutral and polar, with alanine, which is neutral and non-polar, at codon 1829 of the CACNA1D protein (p.Thr1829Ala). This variant is present in population databases (no rsID available, gnomAD 0.0009%). This variant has not been reported in the literature in individuals affected with CACNA1D-related conditions. ClinVar contains an entry for this variant (Variation ID: 2974936). An algorithm developed to predict the effect of missense changes on protein structure and function (PolyPhen-2) suggests that this variant is likely to be tolerated. In summary, the available evidence is currently insufficient to determine the role of this variant in disease. Therefore, it has been classified as a Variant of Uncertain Significance.